The following is an entry in ClinVar:

NM_014363.6(SACS):c.5322T>C (p.Ile1774=)

Gene: SACS (sacsin molecular chaperone; minus strand). Cytogenetic location: 13q12.12.
Variant type: single nucleotide variant.
Coding change: c.5322T>C on transcript NM_014363.6 (MANE Select); coding-DNA position 5322, T replaced by C.
Protein change: p.Ile1774=; no amino-acid change (isoleucine 1774 retained).
Molecular consequence: synonymous variant.
Genome position (GRCh38, 1-based): chr13:23,338,554, A>G on the plus strand (T>C on the coding strand, the complement: SACS is on the minus strand). VCF-style: chr13-23338554-A-G. GRCh37 (hg19) VCF-style: chr13-23912693-A-G.
Other names: p.Ile1774=; c.4881T>C, p.Ile1627= (NM_001278055.2).
Identifiers: ClinVar variation 1123530 (VCV001123530.10), dbSNP rs1034825215, ClinGen allele CA246659267.
Genomic context (GRCh38, chr13:23,338,554, plus strand): 5'-TTCAAAGAGAGCAGCTGGGTCATCATCTGGACCTCTAAAAAGTGGCGACTGTAAATCAGC[A>G]ATCCTTCTGAACACATGGTGAAATTCTTCCACTGTGATCTGAAGAATGCAAGATGACTTT-3'
Protein context (NP_055178.3, residues 1764-1784): VEEFHHVFRR[Ile1774=]ADLQSPLFRG

ClinVar aggregate classification (germline): Likely benign. Review status: criteria provided, multiple submitters, no conflicts (2 of 4 stars). 2 submissions from 2 submitters: Likely benign (2). Last evaluated 2025-03-03.

Conditions:
Spastic paraplegia. Identifiers: MedGen C0037772, HP:0001258.

Allele frequency attached by ClinVar (database versions not stated): gnomAD 0.00001; gnomAD exomes 0.00001 and 0.00002; TOPMed 0.00002.
gnomAD v4.1: 9 of 1,614,036 alleles (0.00056%); highest among the groups gnomAD compares: Non-Finnish European, 0.00076%; no homozygotes.

Submissions (2):

Mayo Clinic Laboratories, Mayo Clinic
Classification: Likely benign. Last evaluated: 2025-03-03. Review status: criteria provided, single submitter. Criteria: ACMG Guidelines, 2015. Collection method: clinical testing. Allele origin: germline. Observed: 1 variant allele.
Comment: BP4, BP7

Labcorp Genetics (formerly Invitae), Labcorp
Classification: Likely benign for Spastic paraplegia. Last evaluated: 2023-07-09. Review status: criteria provided, single submitter. Criteria: Invitae Variant Classification Sherloc (09022015). Collection method: clinical testing. Allele origin: germline.